The following is an entry in ClinVar:

ClinVar aggregate classification (germline): Likely pathogenic (1 of 4 stars; one submission).

Conditions:
Hermansky-Pudlak syndrome 11 (HPS11). Identifiers: MedGen C5436936, MONDO:0030903, OMIM 619172.

Submission:

First Genomix Gene Laboratory, Genetic Diagnostics Department
Classification: Likely pathogenic for Hermansky-Pudlak syndrome 11. Last evaluated: 2025-03-28. Review status: criteria provided, single submitter. Criteria: ACMG Guidelines, 2015. Collection method: clinical testing. Allele origin: germline. Inheritance: Autosomal recessive inheritance. Affected: no. Observed: 1 variant allele.

NM_201280.3(BLOC1S5):c.352A>T (p.Arg118Ter)

Genes: BLOC1S5 (biogenesis of lysosomal organelles complex 1 subunit 5; minus strand), BLOC1S5-TXNDC5 (BLOC1S5-TXNDC5 readthrough (NMD candidate); minus strand), EEF1E1-BLOC1S5 (EEF1E1-BLOC1S5 readthrough (NMD candidate); minus strand). Cytogenetic location: 6p24.3.
Variant type: single nucleotide variant.
Coding change: c.352A>T on transcript NM_201280.3 (MANE Select); coding-DNA position 352, A replaced by T.
Protein change: p.Arg118Ter; replaces arginine 118 with a stop codon.
Molecular consequence: nonsense. On other transcripts: non-coding transcript variant (2), synonymous variant (1).
Genome position (GRCh38, 1-based): chr6:8,026,399, T>A on the plus strand (A>T on the coding strand, the complement: BLOC1S5 is on the minus strand). VCF-style: chr6-8026399-T-A. GRCh37 (hg19) VCF-style: chr6-8026632-T-A.
Other names: c.160A>T, p.Arg54Ter (NM_001199322.1); c.222A>T, p.Val74= (NM_001199323.1); short protein forms R118*, R54*.
Identifiers: ClinVar variation 4845846 (VCV004845846.1).